The following is an entry in ClinVar:

ClinVar aggregate classification (germline): Pathogenic (1 of 4 stars; one submission).

Conditions:
Hereditary breast ovarian cancer syndrome. Also called: Hereditary breast and ovarian cancer; Hereditary breast and ovarian cancer syndrome (HBOC); Breast and ovarian cancer; Hereditary breast and/or ovarian cancer syndrome; BRCA1- and BRCA2-Associated Hereditary Breast and Ovarian Cancer; Hereditary breast and ovarian cancer syndrome. Identifiers: Orphanet 145, MedGen C0677776, MeSH D061325, MONDO:0003582. Disease mechanism: loss of function.

Submissions (2):

Labcorp Genetics (formerly Invitae), Labcorp
Classification: Pathogenic for Hereditary breast ovarian cancer syndrome. Last evaluated: 2019-10-30. Review status: criteria provided, single submitter. Criteria: Invitae Variant Classification Sherloc (09022015). Collection method: clinical testing. Allele origin: germline.
Comment: This sequence change creates a premature translational stop signal (p.Cys91*) in the BRCA1 gene. It is expected to result in an absent or disrupted protein product. This variant is not present in population databases (ExAC no frequency). This variant has not been reported in the literature in individuals with BRCA1-related conditions. Loss-of-function variants in BRCA1 are known to be pathogenic (PMID: 20104584). For these reasons, this variant has been classified as Pathogenic.

Brotman Baty Institute, University of Washington
No classification provided (evidence only). Condition: Breast-ovarian cancer, familial 1. Review status: no classification provided. Collection method: in vitro. Allele origin: not applicable. Functional consequence: functionally_abnormal. Not counted in ClinVar's aggregate classification.
ClinVar note: "not provided" was previously submitted as the classification for the variant. However, the classification appeared to be based only on an observation of functional data so it was converted to no classification on 2025-07-30.

Literature cited by the submitters: PubMed 20104584 (cited by Labcorp Genetics (formerly Invitae), Labcorp).

NM_007294.4(BRCA1):c.273T>A (p.Cys91Ter)

Gene: BRCA1 (BRCA1 DNA repair associated; minus strand). Cytogenetic location: 17q21.31.
Variant type: single nucleotide variant.
Coding change: c.273T>A on transcript NM_007294.4 (MANE Select); coding-DNA position 273, T replaced by A.
Protein change: p.Cys91Ter; replaces cysteine 91 with a stop codon.
Molecular consequence: nonsense. On other transcripts: non-coding transcript variant (1).
Genome position (GRCh38, 1-based): chr17:43,104,896, A>T on the plus strand (T>A on the coding strand, the complement: BRCA1 is on the minus strand). VCF-style: chr17-43104896-A-T. GRCh37 (hg19) VCF-style: chr17-41256913-A-T.
Other names: c.273T>A, p.Cys91Ter (NM_001407646.1, NM_001407647.1, NM_001407648.1 and 168 more transcripts); c.195T>A, p.Cys65Ter (NM_001407653.1, NM_001407654.1, NM_001407655.1 and 21 more transcripts); c.132T>A, p.Cys44Ter (NM_001407692.1, NM_001407694.1, NM_001407695.1 and 99 more transcripts); c.63T>A, p.Cys21Ter (NM_001407853.1, NM_001407879.1, NM_001407881.1 and 58 more transcripts); c.-109T>A (NM_001407959.1, NM_001407960.1, NM_001407962.1 and 4 more transcripts); c.141T>A, p.Cys47Ter (NM_001408451.1); short protein forms C44*, C91*, C47*, C21*, C65*.
Identifiers: ClinVar variation 868339 (VCV000868339.11), dbSNP rs397509006, ClinGen allele CA10601609.